The following is an entry in ClinVar:

NM_002432.3(MNDA):c.705G>A (p.Met235Ile)

Gene: MNDA (myeloid cell nuclear differentiation antigen; plus strand). Cytogenetic location: 1q23.1.
Variant type: single nucleotide variant.
Coding change: c.705G>A on transcript NM_002432.3 (MANE Select); coding-DNA position 705, G replaced by A.
Protein change: p.Met235Ile; replaces methionine 235 with isoleucine.
Molecular consequence: missense variant.
Genome position (GRCh38, 1-based): chr1:158,845,721, G>A. VCF-style: chr1-158845721-G-A. GRCh37 (hg19) VCF-style: chr1-158815511-G-A.
Other names: short protein forms M235I.
Identifiers: ClinVar variation 1756936 (VCV001756936.2), dbSNP rs1182755773, ClinGen allele CA343041147.

ClinVar aggregate classification (germline): Uncertain significance (1 of 4 stars; one submission).

Allele frequency attached by ClinVar (database versions not stated): gnomAD exomes 0.00001; TOPMed 0.00001; gnomAD 0.00002.
gnomAD v4.1: 22 of 1,614,008 alleles (0.0014%); highest among the groups gnomAD compares: South Asian, 0.0022%; no homozygotes.

Submission:

Ambry Genetics
Classification: Uncertain significance. Last evaluated: 2024-02-20. Review status: criteria provided, single submitter. Criteria: Ambry Variant Classification Scheme 2023. Collection method: clinical testing. Allele origin: germline.
Comment: The p.M235I variant (also known as c.705G>A), located in coding exon 4 of the MNDA gene, results from a G to A substitution at nucleotide position 705. The methionine at codon 235 is replaced by isoleucine, an amino acid with highly similar properties. This amino acid position is conserved. In addition, this alteration is predicted to be tolerated by in silico analysis. Since supporting evidence is limited at this time, the clinical significance of this alteration remains unclear.